The following is an entry in ClinVar:

ClinVar aggregate classification (germline): Uncertain significance (1 of 4 stars; one submission).

Submission:

CeGaT Center for Human Genetics Tuebingen
Classification: Uncertain significance. Last evaluated: 2023-03-01. Review status: criteria provided, single submitter. Criteria: CeGaT Center For Human Genetics Tuebingen Variant Classification Criteria Version 2. Collection method: clinical testing. Allele origin: germline. Affected: yes. Observed: 1 variant allele.
Comment: BRCA2: PM2, BP4

NM_000059.4(BRCA2):c.1616G>A (p.Gly539Glu)

Gene: BRCA2 (BRCA2 DNA repair associated; plus strand). Cytogenetic location: 13q13.1.
Variant type: single nucleotide variant.
Coding change: c.1616G>A on transcript NM_000059.4 (MANE Select); coding-DNA position 1616, G replaced by A.
Protein change: p.Gly539Glu; replaces glycine 539 with glutamic acid.
Molecular consequence: missense variant. On other transcripts: non-coding transcript variant (1), intron variant (1).
Genome position (GRCh38, 1-based): chr13:32,333,094, G>A. VCF-style: chr13-32333094-G-A. GRCh37 (hg19) VCF-style: chr13-32907231-G-A.
Other names: c.1616G>A, p.Gly539Glu (NM_001406719.1, NM_001406720.1, NM_001406721.1); c.424+2064G>A (NM_001406722.1); short protein forms G539E.
Identifiers: ClinVar variation 2498577 (VCV002498577.28), dbSNP rs1555281985, ClinGen allele CA387764887.